The following is an entry in ClinVar:

NM_000059.4(BRCA2):c.9111A>T (p.Gln3037His)

Gene: BRCA2 (BRCA2 DNA repair associated; plus strand). Cytogenetic location: 13q13.1.
Variant type: single nucleotide variant.
Coding change: c.9111A>T on transcript NM_000059.4 (MANE Select); coding-DNA position 9111, A replaced by T.
Protein change: p.Gln3037His; replaces glutamine 3037 with histidine.
Molecular consequence: missense variant.
Genome position (GRCh38, 1-based): chr13:32,379,907, A>T. VCF-style: chr13-32379907-A-T. GRCh37 (hg19) VCF-style: chr13-32954044-A-T.
Other names: 9339A>T; short protein forms Q3037H.
Identifiers: ClinVar variation 252856 (VCV000252856.20), dbSNP rs200814465, ClinGen allele CA10586086.
Genomic context (GRCh38, chr13:32,379,907, plus strand): 5'-AAGTAAATCTGAAAGAGCTAACATACAGTTAGCAGCGACAAAAAAAACTCAGTATCAACA[A>T]CTACCGGTACAAACCTTTCATTGTAATTTTTCAGTTTTGATAAGTGCTTGTTAGTTTATG-3'
Protein context (NP_000050.3, residues 3027-3047): LAATKKTQYQ[Gln3037His]LPVSDEILFQ

ClinVar aggregate classification (germline): Conflicting classifications of pathogenicity. Review status: criteria provided, conflicting classifications (1 of 4 stars). 5 submissions from 5 submitters: Uncertain significance (3); Likely benign (1). 1 of the submissions does not count toward it. Last evaluated 2025-05-13.

Conditions:
Hereditary cancer-predisposing syndrome. Also called: Tumor predisposition; Hereditary Cancer Syndrome; Neoplastic Syndromes, Hereditary; Hereditary neoplastic syndrome. Identifiers: Orphanet 140162, MedGen C0027672, MeSH D009386, MONDO:0015356.
Hereditary breast ovarian cancer syndrome. Also called: Hereditary breast and ovarian cancer; Breast and ovarian cancer; Hereditary breast and/or ovarian cancer syndrome; BRCA1- and BRCA2-Associated Hereditary Breast and Ovarian Cancer; Hereditary breast and ovarian cancer syndrome; Hereditary breast and ovarian cancer syndrome (HBOC). Identifiers: Orphanet 145, MedGen C0677776, MeSH D061325, MONDO:0003582. Disease mechanism: loss of function.
Breast-ovarian cancer, familial, susceptibility to, 2 (BROVCA2). Also called: BRCA2 Hereditary Breast and Ovarian Cancer. Identifiers: Orphanet 145, MedGen C2675520, MONDO:0012933, OMIM 612555. Disease mechanism: loss of function.

Allele frequency attached by ClinVar (database versions not stated): gnomAD exomes below 0.00001.
gnomAD v4.1: 3 of 1,613,502 alleles (0.00019%); highest among the groups gnomAD compares: Non-Finnish European, 0.00025%; no homozygotes.

Submissions (5):

Ambry Genetics
Classification: Likely benign for Hereditary cancer-predisposing syndrome. Last evaluated: 2025-05-13. Review status: criteria provided, single submitter. Criteria: Ambry Variant Classification Scheme 2023. Collection method: clinical testing. Allele origin: germline.

Labcorp Genetics (formerly Invitae), Labcorp
Classification: Uncertain significance for Hereditary breast ovarian cancer syndrome. Last evaluated: 2024-12-03. Review status: criteria provided, single submitter. Criteria: Invitae Variant Classification Sherloc (09022015). Collection method: clinical testing. Allele origin: germline.
Comment: This sequence change replaces glutamine, which is neutral and polar, with histidine, which is basic and polar, at codon 3037 of the BRCA2 protein (p.Gln3037His). This variant is present in population databases (rs200814465, gnomAD 0.0009%). This variant has not been reported in the literature in individuals affected with BRCA2-related conditions. ClinVar contains an entry for this variant (Variation ID: 252856). Invitae Evidence Modeling of protein sequence and biophysical properties (such as structural, functional, and spatial information, amino acid conservation, physicochemical variation, residue mobility, and thermodynamic stability) indicates that this missense variant is not expected to disrupt BRCA2 protein function with a negative predictive value of 95%. In summary, the available evidence is currently insufficient to determine the role of this variant in disease. Therefore, it has been classified as a Variant of Uncertain Significance.

Color Diagnostics, LLC DBA Color Health
Classification: Uncertain significance for Hereditary cancer-predisposing syndrome. Last evaluated: 2021-09-18. Review status: criteria provided, single submitter. Criteria: ACMG Guidelines, 2015. Collection method: clinical testing. Allele origin: germline.
Comment: This missense variant replaces glutamine with histidine at codon 3037 of the BRCA2 protein. Computational prediction suggests that this variant may not impact protein structure and function (internally defined REVEL score threshold <= 0.5, PMID: 27666373). To our knowledge, functional studies have not been reported for this variant. This variant has not been reported in individuals affected with hereditary cancer in the literature. This variant has been identified in 1/248824 chromosomes in the general population by the Genome Aggregation Database (gnomAD). The available evidence is insufficient to determine the role of this variant in disease conclusively. Therefore, this variant is classified as a Variant of Uncertain Significance.

Quest Diagnostics Nichols Institute San Juan Capistrano
Classification: Uncertain significance. Last evaluated: 2019-09-30. Review status: criteria provided, single submitter. Criteria: Quest Diagnostics criteria. Collection method: clinical testing. Allele origin: unknown.

Sharing Clinical Reports Project (SCRP)
Classification: Uncertain significance for Breast-ovarian cancer, familial 2. Last evaluated: 2014-01-24. Review status: no assertion criteria provided. Collection method: clinical testing. Allele origin: germline. Not counted in ClinVar's aggregate classification.